The following is an entry in ClinVar:

NM_001145358.2(SIN3A):c.367G>A (p.Val123Met)

Gene: SIN3A (SIN3 transcription regulator family member A; minus strand). Cytogenetic location: 15q24.2.
Variant type: single nucleotide variant.
Coding change: c.367G>A on transcript NM_001145358.2 (MANE Select); coding-DNA position 367, G replaced by A.
Protein change: p.Val123Met; replaces valine 123 with methionine.
Molecular consequence: missense variant.
Genome position (GRCh38, 1-based): chr15:75,414,311, C>T on the plus strand (G>A on the coding strand, the complement: SIN3A is on the minus strand). VCF-style: chr15-75414311-C-T. GRCh37 (hg19) VCF-style: chr15-75706652-C-T.
Other names: c.367G>A, p.Val123Met (NM_001145357.2, NM_015477.3); short protein forms V123M.
Identifiers: ClinVar variation 3683947 (VCV003683947.2).

ClinVar aggregate classification (germline): Uncertain significance (1 of 4 stars; one submission).

Submission:

Labcorp Genetics (formerly Invitae), Labcorp
Classification: Uncertain significance. Last evaluated: 2024-12-16. Review status: criteria provided, single submitter. Criteria: Invitae Variant Classification Sherloc (09022015). Collection method: clinical testing. Allele origin: germline.
Comment: This sequence change replaces valine, which is neutral and non-polar, with methionine, which is neutral and non-polar, at codon 123 of the SIN3A protein (p.Val123Met). This variant is not present in population databases (gnomAD no frequency). This variant has not been reported in the literature in individuals affected with SIN3A-related conditions. An algorithm developed to predict the effect of missense changes on protein structure and function (PolyPhen-2) suggests that this variant is likely to be disruptive. In summary, the available evidence is currently insufficient to determine the role of this variant in disease. Therefore, it has been classified as a Variant of Uncertain Significance.